The following is an entry in ClinVar:

NM_000443.4(ABCB4):c.2317-10del

Gene: ABCB4 (ATP binding cassette subfamily B member 4; minus strand). Cytogenetic location: 7q21.12.
Variant type: Deletion.
Coding change: c.2317-10del on transcript NM_000443.4 (MANE Select); 10 bases into the intron before coding-DNA position 2317, one base deleted (T; older notation c.2317-10delT).
Molecular consequence: intron variant.
Genome position (GRCh38, 1-based): chr7:87,420,085, A deleted on the plus strand (T on the coding strand, the reverse complement: ABCB4 is on the minus strand); the first of 6 consecutive A bases (chr7:87,420,085-87,420,090); deleting any one gives the same sequence. VCF-style (leftmost placement, unchanged base first): chr7-87420084-GA-G. GRCh37 (hg19) VCF-style: chr7-87049400-GA-G.
Other names: c.2317-10delT (NM_000443.3); c.2317-10del (NM_018850.3, NM_018849.3).
Identifiers: ClinVar variation 2781674 (VCV002781674.4), dbSNP rs2546779906, ClinGen allele CA2683599700.

ClinVar aggregate classification (germline): Conflicting classifications of pathogenicity. Review status: criteria provided, conflicting classifications (1 of 4 stars). 2 submissions from 2 submitters: Uncertain significance (1); Benign (1). Last evaluated 2026-01-23.

Conditions:
ABCB4-related disorder. Also called: ABCB4-related disorders; ABCB4-related condition.

Submissions (2):

PreventionGenetics, part of Exact Sciences
Classification: Uncertain significance for ABCB4-related condition. Last evaluated: 2026-01-23. Review status: criteria provided, single submitter. Criteria: ACMG Guidelines, 2015. Collection method: clinical testing. Allele origin: germline.
Comment: The ABCB4 c.2317-10delT variant is predicted to result in an intronic deletion. This variant is predicted to alter splicing based on available splicing prediction programs (SpliceAI, Jaganathan et al. 2019. PubMed ID: 30661751). To our knowledge, this variant has not been reported in the literature or in a large population database (gnomAD), indicating this variant is rare. At this time, the clinical significance of this variant is uncertain due to the absence of conclusive functional and genetic evidence.

Labcorp Genetics (formerly Invitae), Labcorp
Classification: Benign. Last evaluated: 2023-04-04. Review status: criteria provided, single submitter. Criteria: Invitae Variant Classification Sherloc (09022015). Collection method: clinical testing. Allele origin: germline.